The following is an entry in ClinVar:

NM_001100913.3(PACS2):c.2266G>A (p.Gly756Ser)

Gene: PACS2 (phosphofurin acidic cluster sorting protein 2; plus strand). Cytogenetic location: 14q32.33.
Variant type: single nucleotide variant.
Coding change: c.2266G>A on transcript NM_001100913.3 (MANE Select); coding-DNA position 2266, G replaced by A.
Protein change: p.Gly756Ser; replaces glycine 756 with serine.
Molecular consequence: missense variant.
Genome position (GRCh38, 1-based): chr14:105,392,629, G>A. VCF-style: chr14-105392629-G-A. GRCh37 (hg19) VCF-style: chr14-105858966-G-A.
Other names: c.1996G>A, p.Gly666Ser (NM_001243127.3); c.2221G>A, p.Gly741Ser (NM_015197.4); short protein forms G756S, G666S, G741S.
Identifiers: ClinVar variation 2981984 (VCV002981984.3), dbSNP rs587608008, ClinGen allele CA7389235.

ClinVar aggregate classification (germline): Uncertain significance (1 of 4 stars; one submission).

Allele frequency attached by ClinVar (database versions not stated): gnomAD 0.00003; 1000 Genomes Project 30x 0.00031; TOPMed 0.00002; ExAC 0.00003; 1000 Genomes Project 0.00020.
gnomAD v4.1: 22 of 1,606,924 alleles (0.0014%); highest among the groups gnomAD compares: African/African-American, 0.0093%; no homozygotes.

Submission:

Labcorp Genetics (formerly Invitae), Labcorp
Classification: Uncertain significance. Last evaluated: 2025-09-02. Review status: criteria provided, single submitter. Criteria: Invitae Variant Classification Sherloc (09022015). Collection method: clinical testing. Allele origin: germline.
Comment: This sequence change replaces glycine, which is neutral and non-polar, with serine, which is neutral and polar, at codon 756 of the PACS2 protein (p.Gly756Ser). The frequency data for this variant in the population databases is considered unreliable, as metrics indicate poor data quality at this position in the gnomAD database. This variant has not been reported in the literature in individuals affected with PACS2-related conditions. ClinVar contains an entry for this variant (Variation ID: 2981984). Invitae Evidence Modeling of protein sequence and biophysical properties (such as structural, functional, and spatial information, amino acid conservation, physicochemical variation, residue mobility, and thermodynamic stability) indicates that this missense variant is not expected to disrupt PACS2 protein function with a negative predictive value of 80%. In summary, the available evidence is currently insufficient to determine the role of this variant in disease. Therefore, it has been classified as a Variant of Uncertain Significance.